The following is an entry in ClinVar:

ClinVar aggregate classification (germline): Likely benign. Review status: criteria provided, single submitter (1 of 4 stars). 2 submissions from 2 submitters: Likely benign (1). 1 of the submissions does not count toward it. Last evaluated 2024-10-18.

Conditions:
PCNT-related disorder. Also called: PCNT-related condition.

Allele frequency attached by ClinVar (database versions not stated): ExAC 0.00001; TOPMed 0.00002; gnomAD 0.00003.
gnomAD v4.1: 17 of 1,607,714 alleles (0.0011%); highest among the groups gnomAD compares: Admixed American, 0.0034%; no homozygotes.

Submissions (2):

Labcorp Genetics (formerly Invitae), Labcorp
Classification: Likely benign. Last evaluated: 2024-10-18. Review status: criteria provided, single submitter. Criteria: Invitae Variant Classification Sherloc (09022015). Collection method: clinical testing. Allele origin: germline.

PreventionGenetics, part of Exact Sciences
Classification: Likely benign for PCNT-related condition. Last evaluated: 2023-10-18. Review status: no assertion criteria provided. Collection method: clinical testing. Allele origin: germline. Not counted in ClinVar's aggregate classification.
Comment: This variant is classified as likely benign based on ACMG/AMP sequence variant interpretation guidelines (Richards et al. 2015 PMID: 25741868, with internal and published modifications).

NM_006031.6(PCNT):c.4564-6C>T

Gene: PCNT (pericentrin; plus strand). Cytogenetic location: 21q22.3.
Variant type: single nucleotide variant.
Coding change: c.4564-6C>T on transcript NM_006031.6 (MANE Select); 6 bases into the intron before coding-DNA position 4564, C replaced by T.
Molecular consequence: intron variant.
Genome position (GRCh38, 1-based): chr21:46,398,229, C>T. VCF-style: chr21-46398229-C-T. GRCh37 (hg19) VCF-style: chr21-47818143-C-T.
Other names: c.4564-6C>T (NM_006031.5); c.4210-6C>T (NM_001315529.2).
Identifiers: ClinVar variation 2885575 (VCV002885575.4), dbSNP rs748858272, ClinGen allele CA10079691.